The following is an entry in ClinVar:

ClinVar aggregate classification (germline): Pathogenic (1 of 4 stars; one submission).

Conditions:
Ellis-van Creveld syndrome (EVC). Also called: EVC-Related Ellis-van Creveld Syndrome; EVC2-Related Ellis-van Creveld Syndrome; MESOECTODERMAL DYSPLASIA; Chondroectodermal dysplasia. Identifiers: Orphanet 289, MedGen C0013903, MONDO:0009162, OMIM 225500.
Curry-Hall syndrome (WAD). Also called: WEYERS ACRODENTAL DYSOSTOSIS. Identifiers: Orphanet 952, MedGen C0457013, MONDO:0008673, OMIM 193530.

Submission:

Labcorp Genetics (formerly Invitae), Labcorp
Classification: Pathogenic for Curry-Hall syndrome; Ellis-van Creveld syndrome. Last evaluated: 2020-12-21. Review status: criteria provided, single submitter. Criteria: Invitae Variant Classification Sherloc (09022015). Collection method: clinical testing. Allele origin: germline.
Comment: This variant is not present in population databases (ExAC no frequency). For these reasons, this variant has been classified as Pathogenic. This variant has not been reported in the literature in individuals with EVC-related conditions. This sequence change creates a premature translational stop signal (p.Glu89Aspfs*9) in the EVC gene. It is expected to result in an absent or disrupted protein product. Loss-of-function variants in EVC are known to be pathogenic (PMID: 23220543).

Literature cited by the submitters: PubMed 23220543.

NM_153717.3(EVC):c.267_274del (p.Glu89fs)

Gene: EVC (EvC ciliary complex subunit 1; plus strand). Cytogenetic location: 4p16.2.
Variant type: Deletion.
Coding change: c.267_274del on transcript NM_153717.3 (MANE Select); coding-DNA positions 267 to 274, 8 bases deleted (AGTGCAGA; older notation c.267_274delAGTGCAGA).
Protein change: p.Glu89fs; shifts the reading frame from glutamic acid 89.
Molecular consequence: frameshift variant.
Genome position (GRCh38, 1-based): chr4:5,719,340-5,719,347, AGTGCAGA deleted; deleting any 8 consecutive bases within chr4:5,719,337-5,719,347 gives the same sequence; the c. name uses the placement nearest the transcript's 3' end. VCF-style (leftmost placement, unchanged base first): chr4-5719336-GAGAAGTGC-G. GRCh37 (hg19) VCF-style: chr4-5721063-GAGAAGTGC-G.
Other names: c.267_274del, p.Glu89fs (NM_001306090.2, NM_001306092.2); short protein forms E89fs.
Identifiers: ClinVar variation 1453622 (VCV001453622.7), dbSNP rs2151842413, ClinGen allele CA2573138266.